The following is an entry in ClinVar:

ClinVar aggregate classification (germline): Pathogenic/Likely pathogenic. Review status: criteria provided, multiple submitters, no conflicts (2 of 4 stars). 4 submissions from 4 submitters: Pathogenic (1); Likely pathogenic (3). Last evaluated 2025-07-10.

Conditions:
Autoinflammatory syndrome. Identifiers: Orphanet 93665, MedGen C3890737, MONDO:0019751.
UNC13D-related disorder. Also called: UNC13D-related condition.
Familial hemophagocytic lymphohistiocytosis 3 (FHL3). Also called: UNC13D-Related Familial Hemophagocytic Lymphohistiocytosis (UNC13D-fHLH). Identifiers: Orphanet 540, MedGen C1837174, MONDO:0012146, OMIM 608898.

gnomAD v4.1: 31 of 1,612,818 alleles (0.0019%); highest among the groups gnomAD compares: Non-Finnish European, 0.0026%; no homozygotes.

Submissions (4):

PreventionGenetics, part of Exact Sciences
Classification: Likely pathogenic for UNC13D-related condition. Last evaluated: 2025-07-10. Review status: criteria provided, single submitter. Criteria: ACMG Guidelines, 2015. Collection method: clinical testing. Allele origin: germline.
Comment: The UNC13D c.1807G>T variant is predicted to result in premature protein termination (p.Glu603*). This variant has been reported in at least one individual with hemophagocytic lymphohistiocytosis; however, no patient-specific genotype or phenotype information was provided, and the identity of a possible second UNC13D variant is unknown (Sieni et al. 2011. PubMed ID: 21248318). This variant is reported in 0.0045% of alleles in individuals of European (Non-Finnish) descent in gnomAD. Nonsense variants in UNC13D are expected to be pathogenic. This variant is interpreted as likely pathogenic.

Labcorp Genetics (formerly Invitae), Labcorp
Classification: Pathogenic for Familial hemophagocytic lymphohistiocytosis 3. Last evaluated: 2024-01-21. Review status: criteria provided, single submitter. Criteria: Invitae Variant Classification Sherloc (09022015). Collection method: clinical testing. Allele origin: germline.
Comment: This sequence change creates a premature translational stop signal (p.Glu603*) in the UNC13D gene. It is expected to result in an absent or disrupted protein product. Loss-of-function variants in UNC13D are known to be pathogenic (PMID: 14622600). This variant is present in population databases (rs755348845, gnomAD 0.005%). This premature translational stop signal has been observed in individual(s) with hemophagocytic lymphohistiocytosis (PMID: 21248318). ClinVar contains an entry for this variant (Variation ID: 1411105). For these reasons, this variant has been classified as Pathogenic.

Fulgent Genetics
Classification: Likely pathogenic for Familial hemophagocytic lymphohistiocytosis 3. Last evaluated: 2022-04-14. Review status: criteria provided, single submitter. Criteria: ACMG Guidelines, 2015. Collection method: clinical testing. Allele origin: unknown.

Genome Diagnostics Laboratory, The Hospital for Sick Children
Classification: Likely pathogenic for Autoinflammatory syndrome. Last evaluated: 2019-09-01. Review status: criteria provided, single submitter. Criteria: ACMG Guidelines, 2015. Collection method: clinical testing. Allele origin: germline. Affected: yes.

Literature cited by the submitters: PubMed 14622600 (cited by Labcorp Genetics (formerly Invitae), Labcorp); PubMed 21248318 (cited by Labcorp Genetics (formerly Invitae), Labcorp).

NM_199242.3(UNC13D):c.1807G>T (p.Glu603Ter)

Gene: UNC13D (unc-13 homolog D; minus strand). Cytogenetic location: 17q25.1.
Variant type: single nucleotide variant.
Coding change: c.1807G>T on transcript NM_199242.3 (MANE Select); coding-DNA position 1807, G replaced by T.
Protein change: p.Glu603Ter; replaces glutamic acid 603 with a stop codon.
Molecular consequence: nonsense.
Genome position (GRCh38, 1-based): chr17:75,835,450, C>A on the plus strand (G>T on the coding strand, the complement: UNC13D is on the minus strand). VCF-style: chr17-75835450-C-A. GRCh37 (hg19) VCF-style: chr17-73831531-C-A.
Other names: short protein forms E603*.
Identifiers: ClinVar variation 1411105 (VCV001411105.12), dbSNP rs755348845, ClinGen allele CA8772802.